The following is an entry in ClinVar:

ClinVar aggregate classification (germline): Uncertain significance (1 of 4 stars; one submission).

Conditions:
Hereditary cancer-predisposing syndrome. Also called: Neoplastic Syndromes, Hereditary; Tumor predisposition; Hereditary neoplastic syndrome; Hereditary Cancer Syndrome. Identifiers: Orphanet 140162, MedGen C0027672, MeSH D009386, MONDO:0015356.

Submission:

Ambry Genetics
Classification: Uncertain significance for Hereditary cancer-predisposing syndrome. Last evaluated: 2023-11-22. Review status: criteria provided, single submitter. Criteria: Ambry Variant Classification Scheme 2023. Collection method: clinical testing. Allele origin: germline.
Comment: The p.D214N variant (also known as c.640G>A), located in coding exon 6 of the TSC2 gene, results from a G to A substitution at nucleotide position 640. The aspartic acid at codon 214 is replaced by asparagine, an amino acid with highly similar properties. This amino acid position is conserved. In addition, the in silico prediction for this alteration is inconclusive. Since supporting evidence is limited at this time, the clinical significance of this alteration remains unclear.

NM_000548.5(TSC2):c.640G>A (p.Asp214Asn)

Gene: TSC2 (TSC complex subunit 2; plus strand). Cytogenetic location: 16p13.3.
Variant type: single nucleotide variant.
Coding change: c.640G>A on transcript NM_000548.5 (MANE Select); coding-DNA position 640, G replaced by A.
Protein change: p.Asp214Asn; replaces aspartic acid 214 with asparagine.
Molecular consequence: missense variant. On other transcripts: 5 prime UTR variant (10), non-coding transcript variant (5).
Genome position (GRCh38, 1-based): chr16:2,056,236, G>A. VCF-style: chr16-2056236-G-A. GRCh37 (hg19) VCF-style: chr16-2106237-G-A.
Other names: c.640G>A, p.Asp214Asn (NM_001077183.3, NM_001114382.3, NM_001363528.2 and 8 more transcripts); c.529G>A, p.Asp177Asn (NM_001318827.2, NM_001406670.1, NM_001406678.1); c.493G>A, p.Asp165Asn (NM_001318829.2, NM_001406675.1, NM_001406676.1 and 1 more transcripts); c.40G>A, p.Asp14Asn (NM_001318831.2, NM_001406680.1, NM_001406682.1 and 6 more transcripts); c.673G>A, p.Asp225Asn (NM_001318832.2); c.730G>A, p.Asp244Asn (NM_001406667.1, NM_001406668.1); c.583G>A, p.Asp195Asn (NM_001406677.1); c.178G>A, p.Asp60Asn (NM_001406681.1); and 4 more; short protein forms D14N, D165N, D177N, D195N, D214N, D225N, D244N, D60N.
Identifiers: ClinVar variation 3232201 (VCV003232201.1), dbSNP rs2151071392, ClinGen allele CA394310988.